The following is an entry in ClinVar:

ClinVar aggregate classification (germline): Uncertain significance (1 of 4 stars; one submission).

Submission:

GeneDx
Classification: Uncertain significance. Last evaluated: 2025-04-10. Review status: criteria provided, single submitter. Criteria: GeneDx Variant Classification Process June 2021. Collection method: clinical testing. Allele origin: germline. Affected: yes.
Comment: Not observed at significant frequency in large population cohorts (gnomAD); In silico analysis supports that this missense variant has a deleterious effect on protein structure/function; Has not been previously published as pathogenic or benign to our knowledge

NM_001448.3(GPC4):c.980A>G (p.Gln327Arg)

Gene: GPC4 (glypican 4; minus strand). Cytogenetic location: Xq26.2.
Variant type: single nucleotide variant.
Coding change: c.980A>G on transcript NM_001448.3 (MANE Select); coding-DNA position 980, A replaced by G.
Protein change: p.Gln327Arg; replaces glutamine 327 with arginine.
Molecular consequence: missense variant.
Genome position (GRCh38, 1-based): chrX:133,306,052, T>C on the plus strand (A>G on the coding strand, the complement: GPC4 is on the minus strand). VCF-style: chrX-133306052-T-C. GRCh37 (hg19) VCF-style: chrX-132440080-T-C.
Other names: short protein forms Q327R.
Identifiers: ClinVar variation 4282095 (VCV004282095.1).